The following is an entry in ClinVar:

NM_001042472.3(ABHD12):c.653G>C (p.Arg218Pro)

Genes: ABHD12 (abhydrolase domain containing 12, lysophospholipase; minus strand), LOC126863008 (CDK7 strongly-dependent group 2 enhancer GRCh37_chr20:25289826-25291025; plus strand). Cytogenetic location: 20p11.21.
Variant type: single nucleotide variant.
Coding change: c.653G>C on transcript NM_001042472.3 (MANE Select); coding-DNA position 653, G replaced by C.
Protein change: p.Arg218Pro; replaces arginine 218 with proline.
Molecular consequence: missense variant.
Genome position (GRCh38, 1-based): chr20:25,309,542, C>G on the plus strand (G>C on the coding strand, the complement: ABHD12 is on the minus strand). VCF-style: chr20-25309542-C-G. GRCh37 (hg19) VCF-style: chr20-25290178-C-G.
Other names: c.653G>C, p.Arg218Pro (NM_015600.5); c.653G>C (NM_001042472.2); short protein forms R218P.
Identifiers: ClinVar variation 2098328 (VCV002098328.5), dbSNP rs1182010524, ClinGen allele CA408456263.
Genomic context (GRCh38, chr20:25,309,542, plus strand): 5'-TTGTCACCACTTCTTGCTTTGATCCAGTCAAAAACGTGGAGTGCGTCATAGGTCATGCCC[C>G]GCTCAGATGGCGTTCCCACTGAGTCACCCCAACCTGGGAGGGAGAAACGGCAGGACGGGG-3'
Protein context (NP_001035937.1, residues 208-228): WGDSVGTPSE[Arg218Pro]GMTYDALHVF

ClinVar aggregate classification (germline): Uncertain significance. Review status: criteria provided, multiple submitters, no conflicts (2 of 4 stars). 2 submissions from 2 submitters: Uncertain significance (2). Last evaluated 2024-07-09.

Conditions:
Inborn genetic diseases. Identifiers: MedGen C0950123, MeSH D030342.

Allele frequency attached by ClinVar (database versions not stated): gnomAD 0.00001.
gnomAD v4.1: 3 of 1,614,054 alleles (0.00019%); highest among the groups gnomAD compares: Admixed American, 0.0017%; no homozygotes.

Submissions (2):

Ambry Genetics
Classification: Uncertain significance for Inborn genetic diseases. Last evaluated: 2024-07-09. Review status: criteria provided, single submitter. Criteria: Ambry Variant Classification Scheme 2023. Collection method: clinical testing. Allele origin: germline.

Labcorp Genetics (formerly Invitae), Labcorp
Classification: Uncertain significance. Last evaluated: 2022-02-18. Review status: criteria provided, single submitter. Criteria: Invitae Variant Classification Sherloc (09022015). Collection method: clinical testing. Allele origin: germline.
Comment: This sequence change replaces arginine, which is basic and polar, with proline, which is neutral and non-polar, at codon 218 of the ABHD12 protein (p.Arg218Pro). This variant is not present in population databases (gnomAD no frequency). This variant has not been reported in the literature in individuals affected with ABHD12-related conditions. Algorithms developed to predict the effect of missense changes on protein structure and function output the following: SIFT: "Deleterious"; PolyPhen-2: "Benign"; Align-GVGD: "Class C0". The proline amino acid residue is found in multiple mammalian species, which suggests that this missense change does not adversely affect protein function. In summary, the available evidence is currently insufficient to determine the role of this variant in disease. Therefore, it has been classified as a Variant of Uncertain Significance.